The following is an entry in ClinVar:

NM_001166108.2(PALLD):c.1216G>T (p.Val406Leu)

Gene: PALLD (palladin, cytoskeletal associated protein; plus strand). Cytogenetic location: 4q32.3.
Variant type: single nucleotide variant.
Coding change: c.1216G>T on transcript NM_001166108.2 (MANE Select); coding-DNA position 1216, G replaced by T.
Protein change: p.Val406Leu; replaces valine 406 with leucine.
Molecular consequence: missense variant.
Genome position (GRCh38, 1-based): chr4:168,683,059, G>T. VCF-style: chr4-168683059-G-T. GRCh37 (hg19) VCF-style: chr4-169604210-G-T.
Other names: c.70G>T, p.Val24Leu (NM_001166109.2); c.1216G>T, p.Val406Leu (NM_016081.4); short protein forms V406L, V24L.
Identifiers: ClinVar variation 2447418 (VCV002447418.2), dbSNP rs2531591014, ClinGen allele CA358794272.

ClinVar aggregate classification (germline): Uncertain significance (1 of 4 stars; one submission).

Submission:

Ambry Genetics
Classification: Uncertain significance. Last evaluated: 2022-11-17. Review status: criteria provided, single submitter. Criteria: Ambry Variant Classification Scheme 2023. Collection method: clinical testing. Allele origin: germline.
Comment: The p.V406L variant (also known as c.1216G>T), located in coding exon 4 of the PALLD gene, results from a G to T substitution at nucleotide position 1216. The valine at codon 406 is replaced by leucine, an amino acid with highly similar properties. This amino acid position is conserved. In addition, the in silico prediction for this alteration is inconclusive. Since supporting evidence is limited at this time, the clinical significance of this alteration remains unclear.